The following is an entry in ClinVar:

ClinVar aggregate classification (germline): Uncertain significance (0 of 4 stars; one submission).

Conditions:
NFIX-related disorder. Also called: NFIX-related condition.

Submission:

PreventionGenetics, part of Exact Sciences
Classification: Uncertain significance for NFIX-related condition. Last evaluated: 2023-11-13. Review status: no assertion criteria provided. Collection method: clinical testing. Allele origin: germline.
Comment: The NFIX c.1292T>A variant is predicted to result in the amino acid substitution p.Phe431Tyr. To our knowledge, this variant has not been reported in the literature or in a large population database, indicating this variant is rare. At this time, the clinical significance of this variant is uncertain due to the absence of conclusive functional and genetic evidence.

NM_001365902.3(NFIX):c.1292T>A (p.Phe431Tyr)

Gene: NFIX (nuclear factor I X; plus strand). Cytogenetic location: 19p13.13.
Variant type: single nucleotide variant.
Coding change: c.1292T>A on transcript NM_001365902.3 (MANE Select); coding-DNA position 1292, T replaced by A.
Protein change: p.Phe431Tyr; replaces phenylalanine 431 with tyrosine.
Molecular consequence: missense variant. On other transcripts: intron variant (5).
Genome position (GRCh38, 1-based): chr19:13,088,026, T>A. VCF-style: chr19-13088026-T-A. GRCh37 (hg19) VCF-style: chr19-13198840-T-A.
Other names: c.1316T>A, p.Phe439Tyr (NM_001271043.2); c.1289T>A, p.Phe430Tyr (NM_001365984.2); c.1268T>A, p.Phe423Tyr (NM_001378404.1); c.1340T>A, p.Phe447Tyr (NM_001378405.1); c.1255-2273T>A (NM_002501.4); c.1132-2273T>A (NM_001365982.2); c.1231-2273T>A (NM_001271044.3); c.1114-2273T>A (NM_001365983.2); and 1 more; short protein forms F423Y, F430Y, F431Y, F439Y, F447Y.
Identifiers: ClinVar variation 3055918 (VCV003055918.2), dbSNP rs2513002518, ClinGen allele CA404306698.